The following is an entry in ClinVar:

NM_003128.3(SPTBN1):c.3172C>G (p.Leu1058Val)

Gene: SPTBN1 (spectrin beta, non-erythrocytic 1; plus strand). Cytogenetic location: 2p16.2.
Variant type: single nucleotide variant.
Coding change: c.3172C>G on transcript NM_003128.3 (MANE Select); coding-DNA position 3172, C replaced by G.
Protein change: p.Leu1058Val; replaces leucine 1058 with valine.
Molecular consequence: missense variant.
Genome position (GRCh38, 1-based): chr2:54,631,219, C>G. VCF-style: chr2-54631219-C-G. GRCh37 (hg19) VCF-style: chr2-54858356-C-G.
Other names: c.3133C>G, p.Leu1045Val (NM_178313.3); short protein forms L1045V, L1058V.
Identifiers: ClinVar variation 1046195 (VCV001046195.8), dbSNP rs1678711042, ClinGen allele CA346889458.
Genomic context (GRCh38, chr2:54,631,219, plus strand): 5'-GCCGAGATCAGCGACGTGTGGGAGGAGATGAAGACCACCCTGAAAAACCGAGAGGCCTCC[C>G]TGGGAGAGGCCAGCAAGCTGCAGCAGTTCCTACGGGACTTGGACGACTTCCAGTCCTGGC-3'
Protein context (NP_003119.2, residues 1048-1068): KTTLKNREAS[Leu1058Val]GEASKLQQFL

ClinVar aggregate classification (germline): Uncertain significance (1 of 4 stars; one submission).

Submission:

Labcorp Genetics (formerly Invitae), Labcorp
Classification: Uncertain significance. Last evaluated: 2020-07-10. Review status: criteria provided, single submitter. Criteria: Invitae Variant Classification Sherloc (09022015). Collection method: clinical testing. Allele origin: germline.
Comment: Algorithms developed to predict the effect of missense changes on protein structure and function are either unavailable or do not agree on the potential impact of this missense change (SIFT: "Deleterious"; PolyPhen-2: "Probably Damaging"; Align-GVGD: "Class C0"). In summary, the available evidence is currently insufficient to determine the role of this variant in disease. Therefore, it has been classified as a Variant of Uncertain Significance. This variant has not been reported in the literature in individuals with SPTBN1-related conditions. This sequence change replaces leucine with valine at codon 1058 of the SPTBN1 protein (p.Leu1058Val). The leucine residue is highly conserved and there is a small physicochemical difference between leucine and valine. This variant is not present in population databases (ExAC no frequency).